The following is an entry in ClinVar:

ClinVar aggregate classification (germline): Likely pathogenic (1 of 4 stars; one submission).

Conditions:
Hypogonadotropic hypogonadism 5 with or without anosmia (KAL5). Also called: CHD7-Related GnRH Deficiency (Kallmann Syndrome 5); HYPOGONADOTROPHIC HYPOGONADISM 5 WITHOUT ANOSMIA; HYPOGONADOTROPIC HYPOGONADISM 5 WITH ANOSMIA. Identifiers: Orphanet 478, MedGen C3552553, MONDO:0012880, OMIM 612370. Disease mechanism: loss of function.

Submission:

Women's Health and Genetics/Laboratory Corporation of America, LabCorp
Classification: Likely pathogenic for Hypogonadotropic hypogonadism 5 with or without anosmia. Last evaluated: 2024-04-17. Review status: criteria provided, single submitter. Criteria: LabCorp Variant Classification Summary - May 2015. Collection method: clinical testing. Allele origin: germline.
Comment: Variant summary: CHD7 c.6371T>G (p.Phe2124Cys) results in a non-conservative amino acid change in the encoded protein sequence. Five of five in-silico tools predict a damaging effect of the variant on protein function. The variant was absent in 248946 control chromosomes. To our knowledge, no occurrence of c.6371T>G in individuals affected with Hypogonadotropic Hypogonadism 5 With Or Without Anosmia and no experimental evidence demonstrating its impact on protein function have been reported in the literature. No submitters have cited clinical-significance assessments for this variant to ClinVar. Based on the evidence outlined above, the variant was classified as likely pathogenic.

NM_017780.4(CHD7):c.6371T>G (p.Phe2124Cys)

Gene: CHD7 (chromodomain helicase DNA binding protein 7; plus strand). Cytogenetic location: 8q12.2.
Variant type: single nucleotide variant.
Coding change: c.6371T>G on transcript NM_017780.4 (MANE Select); coding-DNA position 6371, T replaced by G.
Protein change: p.Phe2124Cys; replaces phenylalanine 2124 with cysteine.
Molecular consequence: missense variant. On other transcripts: intron variant (1).
Genome position (GRCh38, 1-based): chr8:60,853,096, T>G. VCF-style: chr8-60853096-T-G. GRCh37 (hg19) VCF-style: chr8-61765655-T-G.
Other names: c.1717-9133T>G (NM_001316690.1); short protein forms F2124C.
Identifiers: ClinVar variation 3251907 (VCV003251907.1), dbSNP rs2488042663.